The following is an entry in ClinVar:

ClinVar aggregate classification (germline): Uncertain significance (1 of 4 stars; one submission).

Conditions:
Hereditary cancer-predisposing syndrome. Also called: Neoplastic Syndromes, Hereditary; Tumor predisposition; Hereditary Cancer Syndrome; Hereditary neoplastic syndrome. Identifiers: Orphanet 140162, MedGen C0027672, MeSH D009386, MONDO:0015356.

Submission:

Ambry Genetics
Classification: Uncertain significance for Hereditary cancer-predisposing syndrome. Last evaluated: 2016-12-29. Review status: criteria provided, single submitter. Criteria: Ambry Variant Classification Scheme 2023. Collection method: clinical testing. Allele origin: germline.
Comment: The p.L1657V variant (also known as c.4969C>G), located in coding exon 15 of the APC gene, results from a C to G substitution at nucleotide position 4969. The leucine at codon 1657 is replaced by valine, an amino acid with highly similar properties. This amino acid position is highly conserved in available vertebrate species. In addition, in silico predictors for this gene do not accurately predict pathogenicity. Since supporting evidence is limited at this time, the clinical significance of this alteration remains unclear.

NM_000038.6(APC):c.4969C>G (p.Leu1657Val)

Gene: APC (APC regulator of Wnt signaling pathway; plus strand). Cytogenetic location: 5q22.2.
Variant type: single nucleotide variant.
Coding change: c.4969C>G on transcript NM_000038.6 (MANE Select); coding-DNA position 4969, C replaced by G.
Protein change: p.Leu1657Val; replaces leucine 1657 with valine.
Molecular consequence: missense variant.
Genome position (GRCh38, 1-based): chr5:112,840,563, C>G. VCF-style: chr5-112840563-C-G. GRCh37 (hg19) VCF-style: chr5-112176260-C-G.
Other names: c.4969C>G, p.Leu1657Val (NM_001127510.3, NM_001354895.2); c.4915C>G, p.Leu1639Val (NM_001127511.3); c.5023C>G, p.Leu1675Val (NM_001354896.2); c.4999C>G, p.Leu1667Val (NM_001354897.2); c.4894C>G, p.Leu1632Val (NM_001354898.2); c.4885C>G, p.Leu1629Val (NM_001354899.2); c.4846C>G, p.Leu1616Val (NM_001354900.2); c.4792C>G, p.Leu1598Val (NM_001354901.2); and 5 more; short protein forms L1639V, L1657V, L1531V, L1616V, L1667V, L1556V, L1598V, L1374V.
Identifiers: ClinVar variation 482435 (VCV000482435.5), dbSNP rs1417558114, ClinGen allele CA16032209.